The following is an entry in ClinVar:

ClinVar aggregate classification (germline): Benign/Likely benign. Review status: criteria provided, multiple submitters, no conflicts (2 of 4 stars). 4 submissions from 4 submitters: Benign (2); Likely benign (1). 1 of the submissions does not count toward it. Last evaluated 2026-01-31.

Conditions:
MAGED2-related disorder. Also called: MAGED2-related condition.
Bartter disease type 5. Also called: Bartter syndrome, type 5, antenatal, transient. Identifiers: Orphanet 112, Orphanet 570371, MedGen C4310820, MONDO:0010503, OMIM 300971.

Allele frequency attached by ClinVar (database versions not stated): gnomAD exomes 0.00035 and 0.00102; ExAC 0.00161; 1000 Genomes Project 0.00291; ESP Exome Variant Server 0.00369; 1000 Genomes Project 30x 0.00375; gnomAD 0.00387 and 0.00401; TOPMed 0.00437.

Submissions (4):

Labcorp Genetics (formerly Invitae), Labcorp
Classification: Benign. Last evaluated: 2026-01-31. Review status: criteria provided, single submitter. Criteria: Invitae Variant Classification Sherloc (09022015). Collection method: clinical testing. Allele origin: germline.

Fulgent Genetics
Classification: Likely benign for Bartter disease type 5. Last evaluated: 2022-02-15. Review status: criteria provided, single submitter. Criteria: ACMG Guidelines, 2015. Collection method: clinical testing. Allele origin: unknown.

Breakthrough Genomics
Classification: Benign. Review status: criteria provided, single submitter. Criteria: ACMG Guidelines, 2015. Collection method: not provided. Allele origin: germline. Inheritance: X-linked inheritance. Affected: yes.

PreventionGenetics, part of Exact Sciences
Classification: Benign for MAGED2-related condition. Last evaluated: 2019-09-30. Review status: no assertion criteria provided. Collection method: clinical testing. Allele origin: germline. Not counted in ClinVar's aggregate classification.
Comment: This variant is classified as benign based on ACMG/AMP sequence variant interpretation guidelines (Richards et al. 2015 PMID: 25741868, with internal and published modifications).

NM_177433.3(MAGED2):c.816A>G (p.Pro272=)

Gene: MAGED2 (MAGE family member D2; plus strand). Cytogenetic location: Xp11.21.
Variant type: single nucleotide variant.
Coding change: c.816A>G on transcript NM_177433.3 (MANE Select); coding-DNA position 816, A replaced by G.
Protein change: p.Pro272=; no amino-acid change (proline 272 retained).
Molecular consequence: synonymous variant.
Genome position (GRCh38, 1-based): chrX:54,811,099, A>G. VCF-style: chrX-54811099-A-G. GRCh37 (hg19) VCF-style: chrX-54837532-A-G.
Other names: c.816A>G, p.Pro272= (NM_014599.6, NM_201222.3); c.816A>G (NM_177433.2).
Identifiers: ClinVar variation 786394 (VCV000786394.12), dbSNP rs111542041, ClinGen allele CA10426726.
Genomic context (GRCh38, chrX:54,811,099, plus strand): 5'-GGGCAAGGCTCGCCGTAGAGCTGCCAAGCTCCAGTCATCCCAAGAGCCTGAAGCACCACC[A>G]CCTCGGGATGTGGCCCTTTTGCAAGGGAGGGTAAGAACTCTGTCGTTTTTATTCTGCCTT-3'
Protein context (NP_803182.1, residues 262-282): LQSSQEPEAP[Pro272=]PRDVALLQGR